The following is an entry in ClinVar:

ClinVar aggregate classification (germline): Uncertain significance (1 of 4 stars; one submission).

Conditions:
Autosomal dominant nocturnal frontal lobe epilepsy 5. Also called: CILIARY DYSKINESIA, PRIMARY, 28, WITHOUT SITUS INVERSUS; CILIARY DYSKINESIA, PRIMARY, 28, WITH SITUS INVERSUS; Epilepsy, nocturnal frontal lobe, 5; KCNT1-Related Epilepsy. Identifiers: Orphanet 98784, MedGen C3554306, MONDO:0014002, OMIM 615005.
Developmental and epileptic encephalopathy, 14 (DEE14). Also called: Early infantile epileptic encephalopathy 14. Identifiers: Orphanet 293181, MedGen C3554195, MONDO:0013989, OMIM 614959.

Allele frequency attached by ClinVar (database versions not stated): TOPMed below 0.00001; gnomAD 0.00001.

Submissions (3):

Labcorp Genetics (formerly Invitae), Labcorp
Classification: Uncertain significance for Autosomal dominant nocturnal frontal lobe epilepsy 5; Developmental and epileptic encephalopathy, 14. Last evaluated: 2025-07-14. Review status: criteria provided, single submitter. Criteria: Invitae Variant Classification Sherloc (09022015). Collection method: clinical testing. Allele origin: germline.
Comment: This sequence change falls in intron 28 of the KCNT1 gene. It does not directly change the encoded amino acid sequence of the KCNT1 protein. This variant is present in population databases (no rsID available, gnomAD 0.007%). This variant has not been reported in the literature in individuals affected with KCNT1-related conditions. ClinVar contains an entry for this variant (Variation ID: 2198176). Algorithms developed to predict the effect of sequence changes on RNA splicing suggest that this variant may disrupt the consensus splice site. In summary, the available evidence is currently insufficient to determine the role of this variant in disease. Therefore, it has been classified as a Variant of Uncertain Significance.

Dr. Peter K. Rogan Lab, Western University
No classification provided (evidence only). Condition: Ovarian serous cystadenocarcinoma. Review status: no classification provided. Collection method: in vitro. Allele origin: not applicable. Functional consequence: retained intron. Not counted in ClinVar's aggregate classification.

Dr. Peter K. Rogan Lab, Western University
No classification provided (evidence only). Condition: Ovarian serous cystadenocarcinoma. Review status: no classification provided. Collection method: in vitro. Allele origin: not applicable. Functional consequence: retained intron. Not counted in ClinVar's aggregate classification.

NM_020822.3(KCNT1):c.3178-7T>A

Gene: KCNT1 (potassium sodium-activated channel subfamily T member 1; plus strand). Cytogenetic location: 9q34.3.
Variant type: single nucleotide variant.
Coding change: c.3178-7T>A on transcript NM_020822.3 (MANE Select); 7 bases into the intron before coding-DNA position 3178, T replaced by A.
Molecular consequence: intron variant.
Genome position (GRCh38, 1-based): chr9:135,786,190, T>A. VCF-style: chr9-135786190-T-A. GRCh37 (hg19) VCF-style: chr9-138678036-T-A.
Other names: c.3043-7T>A (NM_001272003.2).
Identifiers: ClinVar variation 2198176 (VCV002198176.5), dbSNP rs1175628628, ClinGen allele CA591364923.
Genomic context (GRCh38, chr9:135,786,190, plus strand): 5'-CCCCAAAGCCCGCGACCCTCCCGGCAGCCTCACCCCTCCCCGCCCTGCCCTGCCCTGCCC[T>A]GCCCAGTCCCAGATCTCGGTGAACGTGGAGGACTGTGAGGACACACGGGAAGTGAAGGGG-3'